The following is an entry in ClinVar:

ClinVar aggregate classification (germline): Uncertain significance (1 of 4 stars; one submission).

Conditions:
Hereditary cancer-predisposing syndrome. Also called: Hereditary Cancer Syndrome; Hereditary neoplastic syndrome; Neoplastic Syndromes, Hereditary; Tumor predisposition. Identifiers: Orphanet 140162, MedGen C0027672, MeSH D009386, MONDO:0015356.

Submission:

Ambry Genetics
Classification: Uncertain significance for Hereditary cancer-predisposing syndrome. Last evaluated: 2022-05-07. Review status: criteria provided, single submitter. Criteria: Ambry Variant Classification Scheme 2023. Collection method: clinical testing. Allele origin: germline.
Comment: The p.I189T variant (also known as c.566T>C), located in coding exon 4 of the DICER1 gene, results from a T to C substitution at nucleotide position 566. The isoleucine at codon 189 is replaced by threonine, an amino acid with similar properties. This amino acid position is conserved. In addition, this alteration is predicted to be deleterious by in silico analysis. Since supporting evidence is limited at this time, the clinical significance of this alteration remains unclear.

NM_177438.3(DICER1):c.566T>C (p.Ile189Thr)

Gene: DICER1 (dicer 1, ribonuclease III; minus strand). Cytogenetic location: 14q32.13.
Variant type: single nucleotide variant.
Coding change: c.566T>C on transcript NM_177438.3 (MANE Select); coding-DNA position 566, T replaced by C.
Protein change: p.Ile189Thr; replaces isoleucine 189 with threonine.
Molecular consequence: missense variant. On other transcripts: 5 prime UTR variant (2), non-coding transcript variant (6).
Genome position (GRCh38, 1-based): chr14:95,130,065, A>G on the plus strand (T>C on the coding strand, the complement: DICER1 is on the minus strand). VCF-style: chr14-95130065-A-G. GRCh37 (hg19) VCF-style: chr14-95596402-A-G.
Other names: c.566T>C, p.Ile189Thr (NM_001195573.1, NM_001271282.3, NM_001291628.2 and 15 more transcripts); c.284T>C, p.Ile95Thr (NM_001395686.1); c.161T>C, p.Ile54Thr (NM_001395687.1, NM_001395688.1, NM_001395689.1 and 3 more transcripts); c.-2T>C (NM_001395691.1); c.-1003T>C (NM_001395697.1); short protein forms I189T, I54T, I95T.
Identifiers: ClinVar variation 1748966 (VCV001748966.2), dbSNP rs2543299791, ClinGen allele CA390888342.